The following is an entry in ClinVar:

NM_013254.4(TBK1):c.629C>T (p.Thr210Ile)

Gene: TBK1 (TANK binding kinase 1; plus strand). Cytogenetic location: 12q14.2.
Variant type: single nucleotide variant.
Coding change: c.629C>T on transcript NM_013254.4 (MANE Select); coding-DNA position 629, C replaced by T.
Protein change: p.Thr210Ile; replaces threonine 210 with isoleucine.
Molecular consequence: missense variant.
Genome position (GRCh38, 1-based): chr12:64,474,318, C>T. VCF-style: chr12-64474318-C-T. GRCh37 (hg19) VCF-style: chr12-64868098-C-T.
Other names: short protein forms T210I.
Identifiers: ClinVar variation 1375092 (VCV001375092.6), dbSNP rs2136069875, ClinGen allele CA385597660.

ClinVar aggregate classification (germline): Uncertain significance (1 of 4 stars; one submission).

Conditions:
Frontotemporal dementia and/or amyotrophic lateral sclerosis 4. Also called: FTDALS4. Identifiers: Orphanet 275872, MedGen C4225325, MONDO:0014641, OMIM 616439.

Submission:

Labcorp Genetics (formerly Invitae), Labcorp
Classification: Uncertain significance for Frontotemporal dementia and/or amyotrophic lateral sclerosis 4. Last evaluated: 2022-01-06. Review status: criteria provided, single submitter. Criteria: Invitae Variant Classification Sherloc (09022015). Collection method: clinical testing. Allele origin: germline.
Comment: In summary, the available evidence is currently insufficient to determine the role of this variant in disease. Therefore, it has been classified as a Variant of Uncertain Significance. Advanced modeling of protein sequence and biophysical properties (such as structural, functional, and spatial information, amino acid conservation, physicochemical variation, residue mobility, and thermodynamic stability) performed at Invitae indicates that this missense variant is not expected to disrupt TBK1 protein function. This variant has not been reported in the literature in individuals affected with TBK1-related conditions. This variant is not present in population databases (gnomAD no frequency). This sequence change replaces threonine, which is neutral and polar, with isoleucine, which is neutral and non-polar, at codon 210 of the TBK1 protein (p.Thr210Ile).